The following is an entry in ClinVar:

ClinVar aggregate classification (germline): Likely benign (0 of 4 stars; one submission).

Conditions:
TNIK-related disorder. Also called: TNIK-related condition.

Allele frequency attached by ClinVar (database versions not stated): ExAC 0.00001; gnomAD 0.00001; gnomAD exomes 0.00002; TOPMed 0.00003.
gnomAD v4.1: 28 of 1,613,822 alleles (0.0017%); highest among the groups gnomAD compares: Non-Finnish European, 0.0021%; no homozygotes.

Submission:

PreventionGenetics, part of Exact Sciences
Classification: Likely benign for TNIK-related condition. Last evaluated: 2019-07-31. Review status: no assertion criteria provided. Collection method: clinical testing. Allele origin: germline.
Comment: This variant is classified as likely benign based on ACMG/AMP sequence variant interpretation guidelines (Richards et al. 2015 PMID: 25741868, with internal and published modifications).

NM_015028.4(TNIK):c.1896C>T (p.Arg632=)

Gene: TNIK (TRAF2 and NCK interacting kinase; minus strand). Cytogenetic location: 3q26.2.
Variant type: single nucleotide variant.
Coding change: c.1896C>T on transcript NM_015028.4 (MANE Select); coding-DNA position 1896, C replaced by T.
Protein change: p.Arg632=; no amino-acid change (arginine 632 retained).
Molecular consequence: synonymous variant.
Genome position (GRCh38, 1-based): chr3:171,126,029, G>A on the plus strand (C>T on the coding strand, the complement: TNIK is on the minus strand). VCF-style: chr3-171126029-G-A. GRCh37 (hg19) VCF-style: chr3-170843818-G-A.
Other names: c.1896C>T, p.Arg632= (NM_001161560.3); c.1809C>T, p.Arg603= (NM_001161561.3, NM_001161562.3); c.1731C>T, p.Arg577= (NM_001161563.3, NM_001161564.3); c.1644C>T, p.Arg548= (NM_001161565.3, NM_001161566.3).
Identifiers: ClinVar variation 3034548 (VCV003034548.2), dbSNP rs748021676, ClinGen allele CA2703378.